The following is an entry in ClinVar:

NM_153218.4(LACC1):c.296del (p.Asn99fs)

Gene: LACC1 (laccase domain containing 1; plus strand). Cytogenetic location: 13q14.11.
Variant type: Deletion.
Coding change: c.296del on transcript NM_153218.4 (MANE Select); coding-DNA position 296, one base deleted (A; older notation c.296delA).
Protein change: p.Asn99fs; shifts the reading frame from asparagine 99.
Molecular consequence: frameshift variant. On other transcripts: 5 prime UTR variant (5).
Genome position (GRCh38, 1-based): chr13:43,881,281, A deleted; the last of 7 consecutive A bases (chr13:43,881,275-43,881,281); deleting any one gives the same sequence. VCF-style (leftmost placement, unchanged base first): chr13-43881274-GA-G. GRCh37 (hg19) VCF-style: chr13-44455410-GA-G.
Other names: c.296del, p.Asn99fs (NM_001128303.2, NM_001350638.2, NM_001350639.2 and 4 more transcripts); c.-223del (NM_001350644.2, NM_001350645.2, NM_001350646.2 and 2 more transcripts); short protein forms N99fs.
Identifiers: ClinVar variation 2202782 (VCV002202782.1), dbSNP rs2547599712, ClinGen allele CA483742272.
Genomic context (GRCh38, chr13:43,881,274, plus strand): 5'-GAGATTGTTAGCTGTCCCAGCATGGCTGCCACTTTGTATACCATTAAACAGAAAATTGAT[GA>G]AAAAAATCTGAGCAGCATTAAGGTAATTGTACCCAGGCACAGGAAGACATTAATGAAAGC-3'

ClinVar aggregate classification (germline): Pathogenic (1 of 4 stars; one submission).

Submission:

Labcorp Genetics (formerly Invitae), Labcorp
Classification: Pathogenic. Last evaluated: 2022-06-30. Review status: criteria provided, single submitter. Criteria: Invitae Variant Classification Sherloc (09022015). Collection method: clinical testing. Allele origin: germline.
Comment: This sequence change creates a premature translational stop signal (p.Asn99Ilefs*2) in the LACC1 gene. It is expected to result in an absent or disrupted protein product. Loss-of-function variants in LACC1 are known to be pathogenic (PMID: 27881174, 30872671). This variant is not present in population databases (gnomAD no frequency). This variant has not been reported in the literature in individuals affected with LACC1-related conditions. For these reasons, this variant has been classified as Pathogenic.

Literature cited by the submitters: PubMed 27881174; PubMed 30872671.